The following is an entry in ClinVar:

NM_004525.3(LRP2):c.11961T>C (p.Phe3987=)

Gene: LRP2 (LDL receptor related protein 2; minus strand). Cytogenetic location: 2q31.1.
Variant type: single nucleotide variant.
Coding change: c.11961T>C on transcript NM_004525.3 (MANE Select); coding-DNA position 11961, T replaced by C.
Protein change: p.Phe3987=; no amino-acid change (phenylalanine 3987 retained).
Molecular consequence: synonymous variant.
Genome position (GRCh38, 1-based): chr2:169,157,429, A>G on the plus strand (T>C on the coding strand, the complement: LRP2 is on the minus strand). VCF-style: chr2-169157429-A-G. GRCh37 (hg19) VCF-style: chr2-170013939-A-G.
Identifiers: ClinVar variation 3031209 (VCV003031209.3), dbSNP rs2545688001, ClinGen allele CA429923458.

ClinVar aggregate classification (germline): Likely benign. Review status: criteria provided, single submitter (1 of 4 stars). 2 submissions from 2 submitters: Likely benign (1). 1 of the submissions does not count toward it. Last evaluated 2025-12-22.

Conditions:
LRP2-related disorder. Also called: LRP2-related condition.

Allele frequency attached by ClinVar (database versions not stated): gnomAD exomes below 0.00001.
gnomAD v4.1: 1 of 1,496,256 alleles (0.000067%); highest among the groups gnomAD compares: Non-Finnish European, 0.000093%; no homozygotes.

Submissions (2):

Labcorp Genetics (formerly Invitae), Labcorp
Classification: Likely benign. Last evaluated: 2025-12-22. Review status: criteria provided, single submitter. Criteria: Invitae Variant Classification Sherloc (09022015). Collection method: clinical testing. Allele origin: germline.

PreventionGenetics, part of Exact Sciences
Classification: Likely benign for LRP2-related condition. Last evaluated: 2023-10-30. Review status: no assertion criteria provided. Collection method: clinical testing. Allele origin: germline. Not counted in ClinVar's aggregate classification.
Comment: This variant is classified as likely benign based on ACMG/AMP sequence variant interpretation guidelines (Richards et al. 2015 PMID: 25741868, with internal and published modifications).